The following is an entry in ClinVar:

NM_014844.5(TECPR2):c.2491G>T (p.Gly831Cys)

Genes: TECPR2 (tectonin beta-propeller repeat containing 2; plus strand), LOC130056519 (ATAC-STARR-seq lymphoblastoid silent region 6116; plus strand). Cytogenetic location: 14q32.31.
Variant type: single nucleotide variant.
Coding change: c.2491G>T on transcript NM_014844.5 (MANE Select); coding-DNA position 2491, G replaced by T.
Protein change: p.Gly831Cys; replaces glycine 831 with cysteine.
Molecular consequence: missense variant.
Genome position (GRCh38, 1-based): chr14:102,438,118, G>T. VCF-style: chr14-102438118-G-T. GRCh37 (hg19) VCF-style: chr14-102904455-G-T.
Other names: c.2491G>T, p.Gly831Cys (NM_001172631.3); short protein forms G831C.
Identifiers: ClinVar variation 569315 (VCV000569315.9), dbSNP rs201352197, ClinGen allele CA7357939.

ClinVar aggregate classification (germline): Uncertain significance. Review status: criteria provided, multiple submitters, no conflicts (2 of 4 stars). 3 submissions from 3 submitters: Uncertain significance (2). 1 of the submissions does not count toward it. Last evaluated 2022-09-13.

Conditions:
Hereditary spastic paraplegia 49 (HSAN9). Also called: TECPR2-Related Hereditary Sensory and Autonomic Neuropathy with Intellectual Disability; Spastic paraplegia 49, autosomal recessive; NEUROPATHY, HEREDITARY SENSORY AND AUTONOMIC, TYPE IX, WITH DEVELOPMENTAL DELAY. Identifiers: Orphanet 320385, MedGen C5190860, MONDO:0014016, OMIM 615031.

Allele frequency attached by ClinVar (database versions not stated): TOPMed 0.00001; gnomAD 0.00003; ExAC 0.00007; 1000 Genomes Project 30x 0.00016; 1000 Genomes Project 0.00020.
gnomAD v4.1: 153 of 1,614,002 alleles (0.0095%); highest among the groups gnomAD compares: Non-Finnish European, 0.013%; no homozygotes.

Submissions (3):

Labcorp Genetics (formerly Invitae), Labcorp
Classification: Uncertain significance for Hereditary spastic paraplegia 49. Last evaluated: 2022-09-13. Review status: criteria provided, single submitter. Criteria: Invitae Variant Classification Sherloc (09022015). Collection method: clinical testing. Allele origin: germline.
Comment: This sequence change replaces glycine, which is neutral and non-polar, with cysteine, which is neutral and slightly polar, at codon 831 of the TECPR2 protein (p.Gly831Cys). This variant is present in population databases (rs201352197, gnomAD 0.009%). This variant has not been reported in the literature in individuals affected with TECPR2-related conditions. ClinVar contains an entry for this variant (Variation ID: 569315). Algorithms developed to predict the effect of missense changes on protein structure and function are either unavailable or do not agree on the potential impact of this missense change (SIFT: "Deleterious"; PolyPhen-2: "Possibly Damaging"; Align-GVGD: "Class C0"). In summary, the available evidence is currently insufficient to determine the role of this variant in disease. Therefore, it has been classified as a Variant of Uncertain Significance.

Baylor Genetics
Classification: Uncertain significance for Hereditary spastic paraplegia 49. Last evaluated: 2018-04-19. Review status: criteria provided, single submitter. Criteria: ACMG Guidelines, 2015. Collection method: clinical testing. Allele origin: unknown. Affected: yes.
Comment: This variant was determined to be of uncertain significance according to ACMG Guidelines, 2015 [PMID:25741868].

Natera, Inc.
Classification: Uncertain significance for Autosomal recessive spastic paraplegia type 49. Last evaluated: 2019-11-11. Review status: no assertion criteria provided. Collection method: clinical testing. Allele origin: germline. Not counted in ClinVar's aggregate classification.